The following is an entry in ClinVar:

ClinVar aggregate classification (germline): Uncertain significance (1 of 4 stars; one submission).

Conditions:
Beckwith-Wiedemann syndrome (BWS). Also called: EMG SYNDROME; Exomphalos macroglossia gigantism syndrome. Identifiers: Orphanet 116, MedGen C0004903, MONDO:0007534, OMIM 130650.
IMAGe syndrome. Also called: Intrauterine Growth Restriction, Metaphyseal Dysplasia, Adrenal Hypoplasia Congenita, and Genital Anomalies; Intrauterine growth retardation, metaphyseal dysplasia, adrenal hypoplasia congenita, and genital anomalies. Identifiers: Orphanet 85173, MedGen C1846009, MONDO:0013873, OMIM 614732.

Submission:

Labcorp Genetics (formerly Invitae), Labcorp
Classification: Uncertain significance for Beckwith-Wiedemann syndrome. Last evaluated: 2023-12-23. Review status: criteria provided, single submitter. Criteria: Invitae Variant Classification Sherloc (09022015). Collection method: clinical testing. Allele origin: germline.
Comment: This sequence change replaces threonine, which is neutral and polar, with alanine, which is neutral and non-polar, at codon 11 of the CDKN1C protein (p.Thr11Ala). This variant is not present in population databases (gnomAD no frequency). This variant has not been reported in the literature in individuals affected with CDKN1C-related conditions. ClinVar contains an entry for this variant (Variation ID: 580302). Algorithms developed to predict the effect of missense changes on protein structure and function output the following: SIFT: "Not Available"; PolyPhen-2: "Benign"; Align-GVGD: "Not Available". The alanine amino acid residue is found in multiple mammalian species, which suggests that this missense change does not adversely affect protein function. In summary, the available evidence is currently insufficient to determine the role of this variant in disease. Therefore, it has been classified as a Variant of Uncertain Significance.

NM_001122630.2(CDKN1C):c.-3A>G

Gene: CDKN1C (cyclin dependent kinase inhibitor 1C; minus strand). Cytogenetic location: 11p15.4.
Variant type: single nucleotide variant.
Coding change: c.-3A>G on transcript NM_001122630.2 (MANE Select); 3 bases upstream of the start codon, A replaced by G.
Molecular consequence: 5 prime UTR variant. On other transcripts: missense variant (2).
Genome position (GRCh38, 1-based): chr11:2,885,459, T>C on the plus strand (A>G on the coding strand, the complement: CDKN1C is on the minus strand). VCF-style: chr11-2885459-T-C. GRCh37 (hg19) VCF-style: chr11-2906689-T-C.
Other names: c.31A>G, p.Thr11Ala (LRG_533t1, NM_000076.2, NM_001362474.2); c.-3A>G (NM_001122631.2, NM_001362475.2); short protein forms T11A.
Identifiers: ClinVar variation 580302 (VCV000580302.8), dbSNP rs1564930879, ClinGen allele CA379147992.